The following is an entry in ClinVar:

NM_001371986.1(UNC80):c.2701G>A (p.Val901Ile)

Gene: UNC80 (unc-80 subunit of NALCN channel complex; plus strand). Cytogenetic location: 2q34.
Variant type: single nucleotide variant.
Coding change: c.2701G>A on transcript NM_001371986.1 (MANE Select); coding-DNA position 2701, G replaced by A.
Protein change: p.Val901Ile; replaces valine 901 with isoleucine.
Molecular consequence: missense variant.
Genome position (GRCh38, 1-based): chr2:209,831,517, G>A. VCF-style: chr2-209831517-G-A. GRCh37 (hg19) VCF-style: chr2-210696241-G-A.
Other names: c.2701G>A, p.Val901Ile (NM_032504.2); c.2686G>A, p.Val896Ile (NM_182587.4); c.2701G>A (NM_032504.1); short protein forms V901I, V896I.
Identifiers: ClinVar variation 1442332 (VCV001442332.8), dbSNP rs146821032, ClinGen allele CA64677738.

ClinVar aggregate classification (germline): Uncertain significance. Review status: criteria provided, multiple submitters, no conflicts (2 of 4 stars). 4 submissions from 4 submitters: Uncertain significance (4). Last evaluated 2025-08-05.

Conditions:
Inborn genetic diseases. Identifiers: MedGen C0950123, MeSH D030342.

Allele frequency attached by ClinVar (database versions not stated): gnomAD exomes 0.00002; TOPMed 0.00006; gnomAD 0.00008 and 0.00009; 1000 Genomes Project 30x 0.00016; 1000 Genomes Project 0.00020; ESP Exome Variant Server 0.00044.
gnomAD v4.1: 63 of 1,551,298 alleles (0.0041%); highest among the groups gnomAD compares: African/African-American, 0.026%; no homozygotes.

Submissions (4):

GeneDx
Classification: Uncertain significance. Last evaluated: 2025-08-05. Review status: criteria provided, single submitter. Criteria: GeneDx Variant Classification Process June 2021. Collection method: clinical testing. Allele origin: germline. Affected: yes.
Comment: In silico analysis suggests that this missense variant does not alter protein structure/function; Has not been previously published as pathogenic or benign to our knowledge

Ambry Genetics
Classification: Uncertain significance for Inborn genetic diseases. Last evaluated: 2025-02-26. Review status: criteria provided, single submitter. Criteria: Ambry Variant Classification Scheme 2023. Collection method: clinical testing. Allele origin: germline.

Blueprint Genetics
Classification: Uncertain significance. Last evaluated: 2022-11-07. Review status: criteria provided, single submitter. Criteria: ACMG Guidelines, 2015. Collection method: clinical testing. Allele origin: germline.

Labcorp Genetics (formerly Invitae), Labcorp
Classification: Uncertain significance. Last evaluated: 2022-10-25. Review status: criteria provided, single submitter. Criteria: Invitae Variant Classification Sherloc (09022015). Collection method: clinical testing. Allele origin: germline.
Comment: This sequence change replaces valine, which is neutral and non-polar, with isoleucine, which is neutral and non-polar, at codon 901 of the UNC80 protein (p.Val901Ile). This variant is present in population databases (rs146821032, gnomAD 0.01%). This variant has not been reported in the literature in individuals affected with UNC80-related conditions. ClinVar contains an entry for this variant (Variation ID: 1442332). Algorithms developed to predict the effect of missense changes on protein structure and function are either unavailable or do not agree on the potential impact of this missense change (SIFT: "Not Available"; PolyPhen-2: "Probably Damaging"; Align-GVGD: "Not Available"). In summary, the available evidence is currently insufficient to determine the role of this variant in disease. Therefore, it has been classified as a Variant of Uncertain Significance.